The following is an entry in ClinVar:

ClinVar aggregate classification (germline): Uncertain significance (1 of 4 stars; one submission).

gnomAD v4.1: 1 of 1,614,192 alleles (0.000062%); highest among the groups gnomAD compares: Non-Finnish European, 0.000085%; no homozygotes.

Submission:

Dasa
Classification: Uncertain significance. Last evaluated: 2025-02-11. Review status: criteria provided, single submitter. Criteria: DASA Assertion Criteria. Collection method: clinical testing. Allele origin: germline.
Comment: NM_001348323.3(TRIP12):c.3419C>T (p.Ala1140Val) is a missense variant that results in the substitution of alanine with valine. This variant is rare in population databases. Computational prediction algorithms are consistent with a benign effect. The currently available literature and clinical evidence are not sufficient to establish a definitive association between this variant and the reported condition. Therefore, this variant is classified as a variant of uncertain significance.

NM_001348323.3(TRIP12):c.3419C>T (p.Ala1140Val)

Gene: TRIP12 (thyroid hormone receptor interactor 12; minus strand). Cytogenetic location: 2q36.3.
Variant type: single nucleotide variant.
Coding change: c.3419C>T on transcript NM_001348323.3 (MANE Select); coding-DNA position 3419, C replaced by T.
Protein change: p.Ala1140Val; replaces alanine 1140 with valine.
Molecular consequence: missense variant.
Genome position (GRCh38, 1-based): chr2:229,798,938, G>A on the plus strand (C>T on the coding strand, the complement: TRIP12 is on the minus strand). VCF-style: chr2-229798938-G-A. GRCh37 (hg19) VCF-style: chr2-230663654-G-A.
Other names: c.3338C>T, p.Ala1113Val (NM_001284214.2, NM_001348315.2); c.3293C>T, p.Ala1098Val (NM_001284215.2, NM_001348316.2, NM_001348317.1 and 1 more transcripts); c.2384C>T, p.Ala795Val (NM_001284216.2); c.3419C>T, p.Ala1140Val (NM_001348319.1, NM_001348320.2, NM_001348322.1 and 4 more transcripts); c.3422C>T, p.Ala1141Val (NM_001348321.1, NM_001348328.1, NM_001348329.2 and 1 more transcripts); c.3212C>T, p.Ala1071Val (NM_001348331.1); c.3332C>T, p.Ala1111Val (NM_001348332.1); c.3341C>T, p.Ala1114Val (NM_001348333.1); and 1 more; short protein forms A1065V, A1071V, A1098V, A1111V, A1113V, A1114V, A1140V, A1141V.
Identifiers: ClinVar variation 4881884 (VCV004881884.2).